The following is an entry in ClinVar:

ClinVar aggregate classification (germline): Uncertain significance (1 of 4 stars; one submission).

Conditions:
Immunodeficiency, common variable, 10. Also called: IMMUNODEFICIENCY, COMMON VARIABLE, WITH CENTRAL ADRENAL INSUFFICIENCY; DEFICIT IN ANTERIOR PITUITARY FUNCTION AND VARIABLE IMMUNODEFICIENCY. Identifiers: MedGen C3809991, MONDO:0014260, OMIM 615577.

Submission:

Labcorp Genetics (formerly Invitae), Labcorp
Classification: Uncertain significance for Immunodeficiency, common variable, 10. Last evaluated: 2025-07-27. Review status: criteria provided, single submitter. Criteria: Invitae Variant Classification Sherloc (09022015). Collection method: clinical testing. Allele origin: germline.
Comment: This sequence change replaces threonine, which is neutral and polar, with serine, which is neutral and polar, at codon 34 of the NFKB2 protein (p.Thr34Ser). This variant is not present in population databases (gnomAD no frequency). This variant has not been reported in the literature in individuals affected with NFKB2-related conditions. An algorithm developed to predict the effect of missense changes on protein structure and function (PolyPhen-2) suggests that this variant is likely to be tolerated. In summary, the available evidence is currently insufficient to determine the role of this variant in disease. Therefore, it has been classified as a Variant of Uncertain Significance.

NM_001322934.2(NFKB2):c.100A>T (p.Thr34Ser)

Gene: NFKB2 (nuclear factor kappa B subunit 2; plus strand). Cytogenetic location: 10q24.32.
Variant type: single nucleotide variant.
Coding change: c.100A>T on transcript NM_001322934.2 (MANE Select); coding-DNA position 100, A replaced by T.
Protein change: p.Thr34Ser; replaces threonine 34 with serine.
Molecular consequence: missense variant.
Genome position (GRCh38, 1-based): chr10:102,396,331, A>T. VCF-style: chr10-102396331-A-T. GRCh37 (hg19) VCF-style: chr10-104156088-A-T.
Other names: c.100A>T, p.Thr34Ser (NM_001077494.3, NM_001261403.3, NM_001288724.1 and 2 more transcripts); short protein forms T34S.
Identifiers: ClinVar variation 4702843 (VCV004702843.1).